The following is an entry in ClinVar:

NM_004606.5(TAF1):c.972A>C (p.Gln324His)

Gene: TAF1 (TATA-box binding protein associated factor 1; plus strand). Cytogenetic location: Xq13.1.
Variant type: single nucleotide variant.
Coding change: c.972A>C on transcript NM_004606.5 (MANE Select); coding-DNA position 972, A replaced by C.
Protein change: p.Gln324His; replaces glutamine 324 with histidine.
Molecular consequence: missense variant. On other transcripts: non-coding transcript variant (9).
Genome position (GRCh38, 1-based): chrX:71,378,273, A>C. VCF-style: chrX-71378273-A-C. GRCh37 (hg19) VCF-style: chrX-70598123-A-C.
Other names: c.972A>C, p.Gln324His (NM_001286074.2); c.909A>C, p.Gln303His (NM_138923.4); short protein forms Q303H, Q324H.
Identifiers: ClinVar variation 3368696 (VCV003368696.1).

ClinVar aggregate classification (germline): Uncertain significance (1 of 4 stars; one submission).

Submission:

GeneDx
Classification: Uncertain significance. Last evaluated: 2024-02-05. Review status: criteria provided, single submitter. Criteria: GeneDx Variant Classification Process June 2021. Collection method: clinical testing. Allele origin: germline. Affected: yes.
Comment: Not observed at significant frequency in large population cohorts (gnomAD); In silico analysis supports that this missense variant does not alter protein structure/function; Has not been previously published as pathogenic or benign to our knowledge